The following is an entry in ClinVar:

ClinVar aggregate classification (germline): Uncertain significance (1 of 4 stars; one submission).

Conditions:
Multiple acyl-CoA dehydrogenase deficiency (MADD). Also called: Glutaric aciduria, type 2; Glutaric Acidemia type 2; ETHYLMALONIC-ADIPICACIDURIA; GA II; Glutaric acidemia type II; GA 2. Identifiers: Orphanet 26791, MedGen C0268596, MONDO:0009282, OMIM 231680.

Submission:

Labcorp Genetics (formerly Invitae), Labcorp
Classification: Uncertain significance for Multiple acyl-CoA dehydrogenase deficiency. Last evaluated: 2021-12-08. Review status: criteria provided, single submitter. Criteria: Invitae Variant Classification Sherloc (09022015). Collection method: clinical testing. Allele origin: germline.
Comment: Algorithms developed to predict the effect of missense changes on protein structure and function are either unavailable or do not agree on the potential impact of this missense change (SIFT: "Tolerated"; PolyPhen-2: "Probably Damaging"; Align-GVGD: "Class C0"). This sequence change replaces valine, which is neutral and non-polar, with leucine, which is neutral and non-polar, at codon 316 of the ETFA protein (p.Val316Leu). This variant is not present in population databases (gnomAD no frequency). This variant has not been reported in the literature in individuals affected with ETFA-related conditions. In summary, the available evidence is currently insufficient to determine the role of this variant in disease. Therefore, it has been classified as a Variant of Uncertain Significance.

NM_000126.4(ETFA):c.946G>C (p.Val316Leu)

Gene: ETFA (electron transfer flavoprotein subunit alpha; minus strand). Cytogenetic location: 15q24.2.
Variant type: single nucleotide variant.
Coding change: c.946G>C on transcript NM_000126.4 (MANE Select); coding-DNA position 946, G replaced by C.
Protein change: p.Val316Leu; replaces valine 316 with leucine.
Molecular consequence: missense variant.
Genome position (GRCh38, 1-based): chr15:76,225,866, C>G on the plus strand (G>C on the coding strand, the complement: ETFA is on the minus strand). VCF-style: chr15-76225866-C-G. GRCh37 (hg19) VCF-style: chr15-76518207-C-G.
Other names: c.799G>C, p.Val267Leu (NM_001127716.2); short protein forms V267L, V316L.
Identifiers: ClinVar variation 1396433 (VCV001396433.6), dbSNP rs1567195832, ClinGen allele CA393513761.
Genomic context (GRCh38, chr15:76,225,866, plus strand): 5'-ATGACAATCTAGATAATAGCAATTTCTCTCAAGGCCAGCTTACCTTAAATAAATCTGCAA[C>G]TATTCCATAATCTGCCACTTGGAAAATTGGAGCTTCTGGGTCTTTATTAATTGCCACAAT-3'
Protein context (NP_000117.1, residues 306-326): PIFQVADYGI[Val316Leu]ADLFKVVPEM